The following is an entry in ClinVar:

ClinVar aggregate classification (germline): Uncertain significance. Review status: criteria provided, multiple submitters, no conflicts (2 of 4 stars). 2 submissions from 2 submitters: Uncertain significance (2). Last evaluated 2026-01-19.

Conditions:
Retinoblastoma (RB1). Also called: RETINOBLASTOMA, SOMATIC. Identifiers: Orphanet 790, MedGen C0035335, MeSH D012175, MONDO:0008380, OMIM 180200, HP:0009919. Disease mechanism: loss of function. Inheritance: Both sporadic and heritable forms are tested..

Submissions (2):

Labcorp Genetics (formerly Invitae), Labcorp
Classification: Uncertain significance for Retinoblastoma. Last evaluated: 2026-01-19. Review status: criteria provided, single submitter. Criteria: Invitae Variant Classification Sherloc (09022015). Collection method: clinical testing. Allele origin: germline.
Comment: This variant occurs in a non-coding region of the RB1 gene. It does not change the encoded amino acid sequence of the RB1 protein. This variant is not present in population databases (gnomAD no frequency). This variant has not been reported in the literature in individuals affected with RB1-related conditions. Experimental studies and prediction algorithms are not available or were not evaluated, and the functional significance of this variant is currently unknown. In summary, the available evidence is currently insufficient to determine the role of this variant in disease. Therefore, it has been classified as a Variant of Uncertain Significance.

Color Diagnostics, LLC DBA Color Health
Classification: Uncertain significance for Retinoblastoma. Last evaluated: 2025-07-23. Review status: criteria provided, single submitter. Criteria: ACMG Guidelines, 2015. Collection method: clinical testing. Allele origin: germline.
Comment: This variant causes a G to A nucleotide substitution at the -204 position in the 5' untranslated region of the RB1 gene. To our knowledge, gene expression studies have not been reported for this variant. This variant has not been reported in individuals affected with RB1-related disorders in the literature. This variant has not been identified in the general population by the Genome Aggregation Database (gnomAD). The available evidence is insufficient to determine the role of this variant in disease conclusively. Therefore, this variant is classified as a Variant of Uncertain Significance.

NC_000013.11:g.48303709G>A

Gene: RB1 (RB transcriptional corepressor 1; plus strand). Cytogenetic location: 13q14.2.
Variant type: single nucleotide variant.
Genome position: GRCh38 VCF-style: chr13-48303709-G-A. GRCh37 (hg19) VCF-style: chr13-48877845-G-A.
Identifiers: ClinVar variation 3730834 (VCV003730834.3).